The following is an entry in ClinVar:

NM_201384.3(PLEC):c.1936G>A (p.Asp646Asn)

Gene: PLEC (plectin; minus strand). Cytogenetic location: 8q24.3.
Variant type: single nucleotide variant.
Coding change: c.1936G>A on transcript NM_201384.3 (MANE Select); coding-DNA position 1936, G replaced by A.
Protein change: p.Asp646Asn; replaces aspartic acid 646 with asparagine.
Molecular consequence: missense variant.
Genome position (GRCh38, 1-based): chr8:143,932,441, C>T on the plus strand (G>A on the coding strand, the complement: PLEC is on the minus strand). VCF-style: chr8-143932441-C-T. GRCh37 (hg19) VCF-style: chr8-145006609-C-T.
Other names: c.2017G>A, p.Asp673Asn (NM_000445.5, NM_001410941.1); c.1894G>A, p.Asp632Asn (NM_201378.4); c.1870G>A, p.Asp624Asn (NM_201379.3); c.2347G>A, p.Asp783Asn (NM_201380.4); c.1840G>A, p.Asp614Asn (NM_201381.3); c.1936G>A, p.Asp646Asn (NM_201382.4); c.1948G>A, p.Asp650Asn (NM_201383.3); short protein forms D614N, D632N, D783N, D624N, D646N, D650N, D673N.
Identifiers: ClinVar variation 2042610 (VCV002042610.7), dbSNP rs371273735, ClinGen allele CA4927785.

ClinVar aggregate classification (germline): Uncertain significance. Review status: criteria provided, multiple submitters, no conflicts (2 of 4 stars). 2 submissions from 2 submitters: Uncertain significance (2). Last evaluated 2025-06-24.

Conditions:
Epidermolysis bullosa simplex 5B, with muscular dystrophy (EBS5B). Also called: Epidermolysis bullosa simplex with muscular dystrophy; EPIDERMOLYSIS BULLOSA SIMPLEX AND LIMB-GIRDLE MUSCULAR DYSTROPHY. Identifiers: Orphanet 257, MedGen C2931072, MONDO:0009181, OMIM 226670.
Epidermolysis bullosa simplex, Ogna type (EBS5A). Also called: Pidermolysis bullosa simplex 5A, Ogna type; EPIDERMOLYSIS BULLOSA SIMPLEX 5A, OGNA TYPE. Identifiers: Orphanet 79401, MedGen C0432317, MONDO:0007555, OMIM 131950.
Epidermolysis bullosa simplex 5C, with pyloric atresia (EBS5C). Also called: PLEC-Related Epidermolysis Bullosa with Pyloric Atresia; Epidermolysis bullosa simplex with pyloric atresia; PLEC1-Related Epidermolysis Bullosa with Pyloric Atresia. Identifiers: Orphanet 158684, MedGen C2677349, MONDO:0012807, OMIM 612138.
Autosomal recessive limb-girdle muscular dystrophy type 2Q (LGMDR17). Also called: MUSCULAR DYSTROPHY, LIMB-GIRDLE, AUTOSOMAL RECESSIVE 17. Identifiers: Orphanet 254361, MedGen C3150989, MONDO:0013390, OMIM 613723.
Epidermolysis bullosa simplex with nail dystrophy (EBS5D). Identifiers: MedGen C4225309, MONDO:0014661, OMIM 616487.

Allele frequency attached by ClinVar (database versions not stated): gnomAD 0.00003; ESP Exome Variant Server 0.00016.
gnomAD v4.1: 72 of 1,612,702 alleles (0.0045%); highest among the groups gnomAD compares: East Asian, 0.0089%; no homozygotes.

Submissions (2):

Labcorp Genetics (formerly Invitae), Labcorp
Classification: Uncertain significance for Autosomal recessive limb-girdle muscular dystrophy type 2Q; Epidermolysis bullosa simplex, Ogna type; Epidermolysis bullosa simplex with nail dystrophy; Epidermolysis bullosa simplex 5C, with pyloric atresia; Epidermolysis bullosa simplex 5B, with muscular dystrophy. Last evaluated: 2025-06-24. Review status: criteria provided, single submitter. Criteria: Invitae Variant Classification Sherloc (09022015). Collection method: clinical testing. Allele origin: germline.
Comment: This sequence change replaces aspartic acid, which is acidic and polar, with asparagine, which is neutral and polar, at codon 673 of the PLEC protein (p.Asp673Asn). This variant is present in population databases (rs371273735, gnomAD 0.01%). This variant has not been reported in the literature in individuals affected with PLEC-related conditions. ClinVar contains an entry for this variant (Variation ID: 2042610). Invitae Evidence Modeling of protein sequence and biophysical properties (such as structural, functional, and spatial information, amino acid conservation, physicochemical variation, residue mobility, and thermodynamic stability) has been performed for this missense variant. However, the output from this modeling did not meet the statistical confidence thresholds required to predict the impact of this variant on PLEC protein function. In summary, the available evidence is currently insufficient to determine the role of this variant in disease. Therefore, it has been classified as a Variant of Uncertain Significance.

Revvity Omics, Revvity
Classification: Uncertain significance. Last evaluated: 2022-03-15. Review status: criteria provided, single submitter. Criteria: ACMG Guidelines, 2015. Collection method: clinical testing. Allele origin: germline.